The following is an entry in ClinVar:

NM_021828.5(HPSE2):c.943G>A (p.Ala315Thr)

Gene: HPSE2 (heparanase 2 (inactive); minus strand). Cytogenetic location: 10q24.2.
Variant type: single nucleotide variant.
Coding change: c.943G>A on transcript NM_021828.5 (MANE Select); coding-DNA position 943, G replaced by A.
Protein change: p.Ala315Thr; replaces alanine 315 with threonine.
Molecular consequence: missense variant.
Genome position (GRCh38, 1-based): chr10:98,721,670, C>T on the plus strand (G>A on the coding strand, the complement: HPSE2 is on the minus strand). VCF-style: chr10-98721670-C-T. GRCh37 (hg19) VCF-style: chr10-100481427-C-T.
Other names: p.Ala315Thr; c.769G>A, p.Ala257Thr (NM_001166244.1); c.607G>A, p.Ala203Thr (NM_001166245.1); c.943G>A, p.Ala315Thr (NM_001166246.1); short protein forms A315T, A203T, A257T.
Identifiers: ClinVar variation 445627 (VCV000445627.14), dbSNP rs17110744, ClinGen allele CA5639874.

ClinVar aggregate classification (germline): Benign/Likely benign. Review status: criteria provided, multiple submitters, no conflicts (2 of 4 stars). 4 submissions from 4 submitters: Benign (2); Likely benign (2). Last evaluated 2026-01-27.

Allele frequency attached by ClinVar (database versions not stated): gnomAD exomes 0.00129 and 0.00331; ExAC 0.00411; gnomAD 0.01207 and 0.01293; ESP Exome Variant Server 0.01346; 1000 Genomes Project 0.01358; TOPMed 0.01397; 1000 Genomes Project 30x 0.01483.
gnomAD v4.1: 3,833 of 1,613,422 alleles (0.24%); highest among the groups gnomAD compares: African/African-American, 4.2%; 53 homozygotes.

Submissions (4):

Labcorp Genetics (formerly Invitae), Labcorp
Classification: Benign. Last evaluated: 2026-01-27. Review status: criteria provided, single submitter. Criteria: Invitae Variant Classification Sherloc (09022015). Collection method: clinical testing. Allele origin: germline.

Mayo Clinic Laboratories, Mayo Clinic
Classification: Benign. Last evaluated: 2025-03-04. Review status: criteria provided, single submitter. Criteria: ACMG Guidelines, 2015. Collection method: clinical testing. Allele origin: germline. Observed: 1 variant allele.
Comment: BS1, BS2, BP4_moderate

Center for Pediatric Genomic Medicine, Children's Mercy Hospital and Clinics
Classification: Likely benign. Last evaluated: 2017-05-30. Review status: criteria provided, single submitter. Criteria: ACMG Guidelines, 2015. Collection method: clinical testing. Allele origin: germline.

Breakthrough Genomics
Classification: Likely benign. Review status: criteria provided, single submitter. Criteria: ACMG Guidelines, 2015. Collection method: not provided. Allele origin: germline. Inheritance: Autosomal recessive inheritance. Affected: yes.